The following is an entry in ClinVar:

ClinVar aggregate classification (germline): Likely benign (1 of 4 stars; one submission).

Allele frequency attached by ClinVar (database versions not stated): gnomAD 0.00001; TOPMed 0.00002.

Submission:

CeGaT Center for Human Genetics Tuebingen
Classification: Likely benign. Last evaluated: 2023-01-01. Review status: criteria provided, single submitter. Criteria: CeGaT Center For Human Genetics Tuebingen Variant Classification Criteria Version 2. Collection method: clinical testing. Allele origin: germline. Affected: yes. Observed: 1 variant allele.
Comment: ZNF598: BP4, BP7

NM_178167.5(ZNF598):c.1140G>A (p.Ala380=)

Gene: ZNF598 (zinc finger protein 598, E3 ubiquitin ligase; minus strand). Cytogenetic location: 16p13.3.
Variant type: single nucleotide variant.
Coding change: c.1140G>A on transcript NM_178167.5 (MANE Select); coding-DNA position 1140, G replaced by A.
Protein change: p.Ala380=; no amino-acid change (alanine 380 retained).
Molecular consequence: synonymous variant.
Genome position (GRCh38, 1-based): chr16:2,001,065, C>T on the plus strand (G>A on the coding strand, the complement: ZNF598 is on the minus strand). VCF-style: chr16-2001065-C-T. GRCh37 (hg19) VCF-style: chr16-2051066-C-T.
Other names: c.1170G>A, p.Ala390= (NM_001405664.1); c.1140G>A, p.Ala380= (NM_001405665.1).
Identifiers: ClinVar variation 2645963 (VCV002645963.24), dbSNP rs1339168717, ClinGen allele CA492943269.